The following is an entry in ClinVar:

ClinVar aggregate classification (germline): Pathogenic/Likely pathogenic. Review status: criteria provided, multiple submitters, no conflicts (2 of 4 stars). 2 submissions from 2 submitters: Pathogenic (1); Likely pathogenic (1). Last evaluated 2022-07-22.

Conditions:
Neurofibromatosis, type 1 (NF1). Also called: VON RECKLINGHAUSEN DISEASE; NEUROFIBROMATOSIS, TYPE I, SOMATIC; Peripheral type neurofibromatosis; Neurofibromatosis, type I. Identifiers: Orphanet 636, MedGen C0027831, MONDO:0018975, OMIM 162200. Disease mechanism: loss of function.
Juvenile myelomonocytic leukemia (JMML). Also called: LEUKEMIA, JUVENILE MYELOMONOCYTIC, SOMATIC. Identifiers: Orphanet 86834, MedGen C0349639, MONDO:0011908, OMIM 607785, HP:0012209.

Submissions (2):

Baylor Genetics
Classification: Likely pathogenic for Juvenile myelomonocytic leukemia. Last evaluated: 2022-07-22. Review status: criteria provided, single submitter. Criteria: ACMG Guidelines, 2015. Collection method: clinical testing. Allele origin: unknown.

Labcorp Genetics (formerly Invitae), Labcorp
Classification: Pathogenic for Neurofibromatosis, type 1. Last evaluated: 2022-01-11. Review status: criteria provided, single submitter. Criteria: Invitae Variant Classification Sherloc (09022015). Collection method: clinical testing. Allele origin: germline.
Comment: This variant is not present in population databases (gnomAD no frequency). This sequence change creates a premature translational stop signal (p.Asn2071Ilefs*19) in the NF1 gene. It is expected to result in an absent or disrupted protein product. Loss-of-function variants in NF1 are known to be pathogenic (PMID: 10712197, 23913538). This variant has not been reported in the literature in individuals affected with NF1-related conditions. ClinVar contains an entry for this variant (Variation ID: 527500). For these reasons, this variant has been classified as Pathogenic.

Literature cited by the submitters: PubMed 10712197 (cited by Labcorp Genetics (formerly Invitae), Labcorp); PubMed 23913538 (cited by Labcorp Genetics (formerly Invitae), Labcorp).

NM_001042492.3(NF1):c.6275del (p.Asn2092fs)

Gene: NF1 (neurofibromin 1; plus strand). Cytogenetic location: 17q11.2.
Variant type: Deletion.
Coding change: c.6275del on transcript NM_001042492.3 (MANE Select); coding-DNA position 6275, one base deleted (A; older notation c.6275delA).
Protein change: p.Asn2092fs; shifts the reading frame from asparagine 2092.
Molecular consequence: frameshift variant.
Genome position (GRCh38, 1-based): chr17:31,336,762, A deleted; the last of 2 consecutive A bases (chr17:31,336,761-31,336,762); deleting either gives the same sequence. VCF-style (leftmost placement, unchanged base first): chr17-31336760-CA-C. GRCh37 (hg19) VCF-style: chr17-29663778-CA-C.
Other names: c.6212delA, p.Asn2071Ilefs (NM_000267.4); c.6212delA (NM_000267.3); short protein forms N2092fs, N2071fs.
Identifiers: ClinVar variation 527500 (VCV000527500.6), dbSNP rs1555534697, ClinGen allele CA658798804.